The following is an entry in ClinVar:

NM_000057.4(BLM):c.2838A>G (p.Thr946=)

Gene: BLM (BLM RecQ like helicase; plus strand). Cytogenetic location: 15q26.1.
Variant type: single nucleotide variant.
Coding change: c.2838A>G on transcript NM_000057.4 (MANE Select); coding-DNA position 2838, A replaced by G.
Protein change: p.Thr946=; no amino-acid change (threonine 946 retained).
Molecular consequence: synonymous variant.
Genome position (GRCh38, 1-based): chr15:90,790,663, A>G. VCF-style: chr15-90790663-A-G. GRCh37 (hg19) VCF-style: chr15-91333893-A-G.
Other names: c.2838A>G (LRG_20t1); c.2838A>G, p.Thr946= (NM_001287246.2, NM_001287247.2); c.1713A>G, p.Thr571= (NM_001287248.2).
Identifiers: ClinVar variation 236807 (VCV000236807.32), dbSNP rs200850440, ClinGen allele CA7738883.
Genomic context (GRCh38, chr15:90,790,663, plus strand): 5'-CAAGTCTGTGCCTTATGAATCTAATAAGCTTTTGCTTTTATATCAGGTTATCTGTGCTAC[A>G]ATTGCATTTGGAATGGGGATTGACAAACCGGACGTGCGATTTGTGATTCATGCATCTCTC-3'
Protein context (NP_000048.1, residues 936-956): NQDGCQVICA[Thr946=]IAFGMGIDKP

ClinVar aggregate classification (germline): Conflicting classifications of pathogenicity. Review status: criteria provided, conflicting classifications (1 of 4 stars). 10 submissions from 10 submitters: Uncertain significance (1); Benign (1); Likely benign (6). 2 of the submissions do not count toward it. Last evaluated 2026-06-01.

Conditions:
BLM-related disorder. Also called: BLM-related condition.
Hereditary cancer-predisposing syndrome. Also called: Tumor predisposition; Hereditary Cancer Syndrome; Neoplastic Syndromes, Hereditary; Hereditary neoplastic syndrome. Identifiers: Orphanet 140162, MedGen C0027672, MeSH D009386, MONDO:0015356.
Bloom syndrome (BLM). Also called: Bloom-Torre-Machacek syndrome. Identifiers: Orphanet 125, MedGen C0005859, MONDO:0008876, OMIM 210900.

Allele frequency attached by ClinVar (database versions not stated): ExAC 0.00004; gnomAD exomes 0.00004 and 0.00010; 1000 Genomes Project 30x 0.00016; 1000 Genomes Project 0.00020; TOPMed 0.00020; gnomAD 0.00025.
gnomAD v4.1: 101 of 1,614,166 alleles (0.0063%); highest among the groups gnomAD compares: Admixed American, 0.12%; 2 homozygotes.

Submissions (10):

CeGaT Center for Human Genetics Tuebingen
Classification: Likely benign. Last evaluated: 2026-06-01. Review status: criteria provided, single submitter. Criteria: CeGaT Center For Human Genetics Tuebingen Variant Classification Criteria Version 2. Collection method: clinical testing. Allele origin: germline. Affected: yes. Observed: 1 variant allele.
Comment: BLM: BP4, BP7

Labcorp Genetics (formerly Invitae), Labcorp
Classification: Benign for Bloom syndrome. Last evaluated: 2026-01-26. Review status: criteria provided, single submitter. Criteria: Invitae Variant Classification Sherloc (09022015). Collection method: clinical testing. Allele origin: germline.

Quest Diagnostics Nichols Institute San Juan Capistrano
Classification: Likely benign. Last evaluated: 2025-08-13. Review status: criteria provided, single submitter. Criteria: Quest Diagnostics criteria. Collection method: clinical testing. Allele origin: unknown.

ARUP Laboratories, Molecular Genetics and Genomics, ARUP Laboratories
Classification: Likely benign for Bloom syndrome. Last evaluated: 2025-04-16. Review status: criteria provided, single submitter. Criteria: ARUP Molecular Germline Variant Investigation Process 2024. Collection method: clinical testing. Allele origin: germline.

Blueprint Genetics
Classification: Likely benign. Last evaluated: 2023-09-21. Review status: criteria provided, single submitter. Criteria: ACMG Guidelines, 2015. Collection method: clinical testing. Allele origin: germline.

Sema4
Classification: Likely benign for Hereditary cancer-predisposing syndrome. Last evaluated: 2021-07-21. Review status: criteria provided, single submitter. Criteria: Sema4 Curation Guidelines. Collection method: curation. Allele origin: germline.

Ambry Genetics
Classification: Likely benign for Hereditary cancer-predisposing syndrome. Last evaluated: 2016-11-17. Review status: criteria provided, single submitter. Criteria: Ambry Variant Classification Scheme 2023. Collection method: clinical testing. Allele origin: germline.

Eurofins Ntd Llc (ga)
Classification: Uncertain significance. Last evaluated: 2016-02-24. Review status: criteria provided, single submitter. Criteria: EGL Classification Definitions 2015. Collection method: clinical testing. Allele origin: germline. Observed: 1 variant allele, 1 heterozygote.

PreventionGenetics, part of Exact Sciences
Classification: Likely benign for BLM-related condition. Last evaluated: 2021-09-14. Review status: no assertion criteria provided. Collection method: clinical testing. Allele origin: germline. Not counted in ClinVar's aggregate classification.
Comment: This variant is classified as likely benign based on ACMG/AMP sequence variant interpretation guidelines (Richards et al. 2015 PMID: 25741868, with internal and published modifications).

Natera, Inc.
Classification: Benign for Bloom syndrome. Last evaluated: 2019-06-24. Review status: no assertion criteria provided. Collection method: clinical testing. Allele origin: germline. Not counted in ClinVar's aggregate classification.